The following is an entry in ClinVar:

ClinVar aggregate classification (germline): Uncertain significance (1 of 4 stars; one submission).

Conditions:
Methylcobalamin deficiency type cblG (HMAG). Also called: Functional methionine synthase deficiency type cblG; HOMOCYSTINURIA-MEGALOBLASTIC ANEMIA, cblG TYPE; HOMOCYSTINURIA-MEGALOBLASTIC ANEMIA, cblG COMPLEMENTATION TYPE; HOMOCYSTINURIA-MEGALOBLASTIC ANEMIA DUE TO DEFECT IN COBALAMIN METABOLISM, cblG COMPLEMENTATION TYPE. Identifiers: Orphanet 2170, Orphanet 622, MedGen C1855128, MONDO:0009609, OMIM 250940.

gnomAD v4.1: 1 of 1,614,156 alleles (0.000062%); highest among the groups gnomAD compares: East Asian, 0.0022%; no homozygotes.

Submission:

Labcorp Genetics (formerly Invitae), Labcorp
Classification: Uncertain significance for Methylcobalamin deficiency type cblG. Last evaluated: 2022-07-30. Review status: criteria provided, single submitter. Criteria: Invitae Variant Classification Sherloc (09022015). Collection method: clinical testing. Allele origin: germline.
Comment: This sequence change replaces serine, which is neutral and polar, with glycine, which is neutral and non-polar, at codon 1039 of the MTR protein (p.Ser1039Gly). This variant is not present in population databases (gnomAD no frequency). This variant has not been reported in the literature in individuals affected with MTR-related conditions. Algorithms developed to predict the effect of missense changes on protein structure and function are either unavailable or do not agree on the potential impact of this missense change (SIFT: "Deleterious"; PolyPhen-2: "Benign"; Align-GVGD: "Class C0"). In summary, the available evidence is currently insufficient to determine the role of this variant in disease. Therefore, it has been classified as a Variant of Uncertain Significance.

NM_000254.3(MTR):c.3115A>G (p.Ser1039Gly)

Gene: MTR (5-methyltetrahydrofolate-homocysteine methyltransferase; plus strand). Cytogenetic location: 1q43.
Variant type: single nucleotide variant.
Coding change: c.3115A>G on transcript NM_000254.3 (MANE Select); coding-DNA position 3115, A replaced by G.
Protein change: p.Ser1039Gly; replaces serine 1039 with glycine.
Molecular consequence: missense variant.
Genome position (GRCh38, 1-based): chr1:236,891,240, A>G. VCF-style: chr1-236891240-A-G. GRCh37 (hg19) VCF-style: chr1-237054540-A-G.
Other names: c.2962A>G, p.Ser988Gly (NM_001291939.1); c.1894A>G, p.Ser632Gly (NM_001291940.2); c.2926A>G, p.Ser976Gly (NM_001410942.1); short protein forms S1039G, S632G, S976G, S988G.
Identifiers: ClinVar variation 1714559 (VCV001714559.3), dbSNP rs1214329587, ClinGen allele CA345387177.